The following is an entry in ClinVar:

ClinVar aggregate classification (germline): Benign/Likely benign. Review status: criteria provided, multiple submitters, no conflicts (2 of 4 stars). 5 submissions from 5 submitters: Benign (2); Likely benign (2). 1 of the submissions does not count toward it. Last evaluated 2025-10-13.

Conditions:
PURA-related disorder. Also called: PURA-related condition.
Inborn genetic diseases. Identifiers: MedGen C0950123, MeSH D030342.
PURA-related severe neonatal hypotonia-seizures-encephalopathy syndrome (NEDRIHF). Also called: NEURODEVELOPMENTAL DISORDER WITH NEONATAL RESPIRATORY INSUFFICIENCY, HYPOTONIA, AND FEEDING DIFFICULTIES; PURA-Related Neurodevelopmental Disorders. Identifiers: Orphanet 438213, Orphanet 438216, MedGen C4015357, MONDO:1060108, OMIM 616158, MONDO:0018580.

Submissions (5):

Labcorp Genetics (formerly Invitae), Labcorp
Classification: Likely benign for PURA-related severe neonatal hypotonia-seizures-encephalopathy syndrome. Last evaluated: 2025-10-13. Review status: criteria provided, single submitter. Criteria: Invitae Variant Classification Sherloc (09022015). Collection method: clinical testing. Allele origin: germline.

Blueprint Genetics
Classification: Likely benign. Last evaluated: 2024-11-22. Review status: criteria provided, single submitter. Criteria: ACMG Guidelines, 2015. Collection method: clinical testing. Allele origin: germline.

GeneDx
Classification: Benign. Last evaluated: 2019-04-09. Review status: criteria provided, single submitter. Criteria: GeneDx Variant Classification Process June 2021. Collection method: clinical testing. Allele origin: germline. Affected: yes.

Ambry Genetics
Classification: Benign for Inborn genetic diseases. Last evaluated: 2018-03-26. Review status: criteria provided, single submitter. Criteria: Ambry Variant Classification Scheme 2023. Collection method: clinical testing. Allele origin: germline.

PreventionGenetics, part of Exact Sciences
Classification: Likely benign for PURA-related condition. Last evaluated: 2019-12-16. Review status: no assertion criteria provided. Collection method: clinical testing. Allele origin: germline. Not counted in ClinVar's aggregate classification.
Comment: This variant is classified as likely benign based on ACMG/AMP sequence variant interpretation guidelines (Richards et al. 2015 PMID: 25741868, with internal and published modifications).

NM_005859.5(PURA):c.132CGG[4] (p.Gly49del)

Gene: PURA (purine rich element binding protein A; plus strand). Cytogenetic location: 5q31.3.
Variant type: Microsatellite.
Coding change: c.132CGG[4] on transcript NM_005859.5 (MANE Select); four copies in a row of the 3-base unit CGG starting at c.132; the reference has five copies in a row; one copy, 3 bases deleted.
Protein change: p.Gly49del; deletes glycine 49.
Molecular consequence: inframe deletion.
Genome position (GRCh38, 1-based): chr5:140,114,325-140,114,327, CGG deleted; deleting any 3 consecutive bases within chr5:140,114,311-140,114,327 gives the same sequence; the position shown is the placement nearest the transcript's 3' end. VCF-style (leftmost placement, unchanged base first): chr5-140114310-TGGC-T. GRCh37 (hg19) VCF-style: chr5-139493895-TGGC-T.
Other names: c.144_146delCGG (NM_005859.4); short protein forms G49del.
Identifiers: ClinVar variation 1131105 (VCV001131105.14), dbSNP rs754074166, ClinGen allele CA3437419.
Genomic context (GRCh38, chr5:140,114,310, plus strand): 5'-CCCCGGCTCGGGCTCAGGCTCCGGCGGGGGCGGTGGTGGCGGCGGGGGCGGCGGCGGCAG[TGGC>T]GGCGGCGGCGGCGGGGCCCCAGGGGGGCTGCAGCACGAGACGCAGGAGCTGGCCTCCAAG-3'